The following is an entry in ClinVar:

NM_001012301.4(ARSI):c.1239C>T (p.Thr413=)

Gene: ARSI (arylsulfatase family member I; minus strand). Cytogenetic location: 5q32.
Variant type: single nucleotide variant.
Coding change: c.1239C>T on transcript NM_001012301.4 (MANE Select); coding-DNA position 1239, C replaced by T.
Protein change: p.Thr413=; no amino-acid change (threonine 413 retained).
Molecular consequence: synonymous variant.
Genome position (GRCh38, 1-based): chr5:150,297,685, G>A on the plus strand (C>T on the coding strand, the complement: ARSI is on the minus strand). VCF-style: chr5-150297685-G-A. GRCh37 (hg19) VCF-style: chr5-149677248-G-A.
Other names: c.1239C>T (NM_001012301.3).
Identifiers: ClinVar variation 703999 (VCV000703999.13), dbSNP rs73268774, ClinGen allele CA3510138.

ClinVar aggregate classification (germline): Benign/Likely benign. Review status: criteria provided, multiple submitters, no conflicts (2 of 4 stars). 2 submissions from 2 submitters: Benign (1); Likely benign (1). Last evaluated 2025-08-04.

Conditions:
Spastic paraplegia. Identifiers: MedGen C0037772, HP:0001258.
ARSI-related disorder. Also called: ARSI-related condition.

Allele frequency attached by ClinVar (database versions not stated): gnomAD exomes 0.00009 and 0.00021; ExAC 0.00024; 1000 Genomes Project 0.00040; 1000 Genomes Project 30x 0.00047; gnomAD 0.00060 and 0.00065; TOPMed 0.00068; ESP Exome Variant Server 0.00069.

Submissions (2):

Labcorp Genetics (formerly Invitae), Labcorp
Classification: Benign for Spastic paraplegia. Last evaluated: 2025-08-04. Review status: criteria provided, single submitter. Criteria: Invitae Variant Classification Sherloc (09022015). Collection method: clinical testing. Allele origin: germline.

PreventionGenetics, part of Exact Sciences
Classification: Likely benign for ARSI-related condition. Last evaluated: 2025-05-28. Review status: criteria provided, single submitter. Criteria: ACMG Guidelines, 2015. Collection method: clinical testing. Allele origin: germline.
Comment: This variant is classified as likely benign based on ACMG/AMP sequence variant interpretation guidelines (Richards et al. 2015 PMID: 25741868, with internal and published modifications).